The following is an entry in ClinVar:

ClinVar aggregate classification (germline): Uncertain significance. Review status: criteria provided, multiple submitters, no conflicts (2 of 4 stars). 3 submissions from 3 submitters: Uncertain significance (3). Last evaluated 2025-11-03.

Conditions:
Familial thoracic aortic aneurysm and aortic dissection (TAAD). Also called: Thoracic aortic aneurysms and dissections. Identifiers: Orphanet 91387, MedGen C4707243, MONDO:0019625.
Aortic aneurysm, familial thoracic 7 (AAT7). Also called: AORTIC DISSECTION, FAMILIAL, WITH OR WITHOUT AORTIC ANEURYSM. Identifiers: MedGen C3151077, MONDO:0013418, OMIM 613780.

Submissions (3):

Labcorp Genetics (formerly Invitae), Labcorp
Classification: Uncertain significance for Aortic aneurysm, familial thoracic 7. Last evaluated: 2025-11-03. Review status: criteria provided, single submitter. Criteria: Invitae Variant Classification Sherloc (09022015). Collection method: clinical testing. Allele origin: germline.
Comment: This sequence change replaces serine, which is neutral and polar, with asparagine, which is neutral and polar, at codon 1361 of the MYLK protein (p.Ser1361Asn). This variant is not present in population databases (gnomAD no frequency). This variant has not been reported in the literature in individuals affected with MYLK-related conditions. ClinVar contains an entry for this variant (Variation ID: 264396). Invitae Evidence Modeling of protein sequence and biophysical properties (such as structural, functional, and spatial information, amino acid conservation, physicochemical variation, residue mobility, and thermodynamic stability) indicates that this missense variant is not expected to disrupt MYLK protein function with a negative predictive value of 80%. In summary, the available evidence is currently insufficient to determine the role of this variant in disease. Therefore, it has been classified as a Variant of Uncertain Significance.

Ambry Genetics
Classification: Uncertain significance for Familial thoracic aortic aneurysm and aortic dissection. Last evaluated: 2025-10-12. Review status: criteria provided, single submitter. Criteria: Ambry Variant Classification Scheme 2023. Collection method: clinical testing. Allele origin: germline.
Comment: The p.S1361N variant (also known as c.4082G>A), located in coding exon 21 of the MYLK gene, results from a G to A substitution at nucleotide position 4082. The serine at codon 1361 is replaced by asparagine, an amino acid with highly similar properties. This amino acid position is highly conserved in available vertebrate species. In addition, this alteration is predicted to be tolerated by in silico analysis. Since supporting evidence is limited at this time, the clinical significance of this alteration remains unclear.

Fulgent Genetics
Classification: Uncertain significance for Aortic aneurysm, familial thoracic 7. Last evaluated: 2018-10-31. Review status: criteria provided, single submitter. Criteria: ACMG Guidelines, 2015. Collection method: clinical testing. Allele origin: unknown.

NM_053025.4(MYLK):c.4082G>A (p.Ser1361Asn)

Gene: MYLK (myosin light chain kinase; minus strand). Cytogenetic location: 3q21.1.
Variant type: single nucleotide variant.
Coding change: c.4082G>A on transcript NM_053025.4 (MANE Select); coding-DNA position 4082, G replaced by A.
Protein change: p.Ser1361Asn; replaces serine 1361 with asparagine.
Molecular consequence: missense variant.
Genome position (GRCh38, 1-based): chr3:123,657,332, C>T on the plus strand (G>A on the coding strand, the complement: MYLK is on the minus strand). VCF-style: chr3-123657332-C-T. GRCh37 (hg19) VCF-style: chr3-123376179-C-T.
Other names: c.3554G>A, p.Ser1185Asn (NM_001321309.2); c.3875G>A, p.Ser1292Asn (NM_053026.4, NM_053028.4); c.4082G>A, p.Ser1361Asn (NM_053027.4); short protein forms S1361N, S1185N, S1292N.
Identifiers: ClinVar variation 264396 (VCV000264396.15), dbSNP rs886039143, ClinGen allele CA10587556.